The following is an entry in ClinVar:

ClinVar aggregate classification (germline): Benign. Review status: criteria provided, multiple submitters, no conflicts (2 of 4 stars). 2 submissions from 2 submitters: Benign (2). Last evaluated 2016-03-28.

Allele frequency attached by ClinVar (database versions not stated): gnomAD exomes below 0.00001 and 0.49527; 1000 Genomes Project 0.23702; gnomAD 0.44256; ExAC 0.51457.
gnomAD v4.1: 1 of 489,250 alleles (0.0002%); highest among the groups gnomAD compares: Non-Finnish European, 0.00034%; no homozygotes.

Submissions (2):

Laboratory for Molecular Medicine, Mass General Brigham Personalized Medicine
Classification: Benign. Last evaluated: 2016-03-28. Review status: criteria provided, single submitter. Criteria: LMM Criteria. Collection method: clinical testing. Allele origin: germline.
Comment: Variant identified in a genome or exome case(s) and assessed due to predicted null impact of the variant or pathogenic assertions in the literature or databases. Disclaimer: This variant has not undergone full assessment. The following are preliminary notes: Frequency

Breakthrough Genomics
Classification: Benign. Review status: criteria provided, single submitter. Criteria: ACMG Guidelines, 2015. Collection method: not provided. Allele origin: germline. Inheritance: Unknown mechanism. Affected: yes.

NM_003386.3(ZAN):c.5764C>T (p.His1922Tyr)

Gene: ZAN (zonadhesin; plus strand). Cytogenetic location: 7q22.1.
Variant type: single nucleotide variant.
Coding change: c.5764C>T on transcript NM_003386.3 (MANE Select); coding-DNA position 5764, C replaced by T.
Protein change: p.His1922Tyr; replaces histidine 1922 with tyrosine.
Molecular consequence: missense variant. On other transcripts: non-coding transcript variant (3).
Genome position (GRCh38, 1-based): chr7:100,773,850, C>T. VCF-style: chr7-100773850-C-T. GRCh37 (hg19) VCF-style: chr7-100371473-C-T.
Other names: c.5764C>T, p.His1922Tyr (NM_173059.3); short protein forms H1922Y.
Identifiers: ClinVar variation 403615 (VCV000403615.5), dbSNP rs314299, ClinGen allele CA4391455.